The following is an entry in ClinVar:

NM_025099.6(CTC1):c.436-10T>A

Gene: CTC1 (CST telomere replication complex component 1; minus strand). Cytogenetic location: 17p13.1.
Variant type: single nucleotide variant.
Coding change: c.436-10T>A on transcript NM_025099.6 (MANE Select); 10 bases into the intron before coding-DNA position 436, T replaced by A.
Molecular consequence: intron variant.
Genome position (GRCh38, 1-based): chr17:8,238,252, A>T on the plus strand (T>A on the coding strand, the complement: CTC1 is on the minus strand). VCF-style: chr17-8238252-A-T. GRCh37 (hg19) VCF-style: chr17-8141570-A-T.
Identifiers: ClinVar variation 2003991 (VCV002003991.4), dbSNP rs2507948475, ClinGen allele CA2580094958.

ClinVar aggregate classification (germline): Uncertain significance (1 of 4 stars; one submission).

Conditions:
Dyskeratosis congenita. Identifiers: Orphanet 1775, MedGen C0265965, MONDO:0015780.

Submission:

Labcorp Genetics (formerly Invitae), Labcorp
Classification: Uncertain significance for Dyskeratosis congenita. Last evaluated: 2022-06-09. Review status: criteria provided, single submitter. Criteria: Invitae Variant Classification Sherloc (09022015). Collection method: clinical testing. Allele origin: germline.
Comment: In summary, the available evidence is currently insufficient to determine the role of this variant in disease. Therefore, it has been classified as a Variant of Uncertain Significance. Algorithms developed to predict the effect of sequence changes on RNA splicing suggest that this variant may disrupt the consensus splice site. This variant has not been reported in the literature in individuals affected with CTC1-related conditions. This variant is not present in population databases (gnomAD no frequency). This sequence change falls in intron 3 of the CTC1 gene. It does not directly change the encoded amino acid sequence of the CTC1 protein.